The following is an entry in ClinVar:

ClinVar aggregate classification (germline): Likely benign. Review status: criteria provided, multiple submitters, no conflicts (2 of 4 stars). 2 submissions from 2 submitters: Likely benign (2). Last evaluated 2026-01-29.

Allele frequency attached by ClinVar (database versions not stated): ExAC 0.00001; gnomAD 0.00001; gnomAD exomes 0.00001 and 0.00002; TOPMed 0.00001.
gnomAD v4.1: 18 of 1,614,032 alleles (0.0011%); highest among the groups gnomAD compares: Non-Finnish European, 0.0015%; no homozygotes.

Submissions (2):

Labcorp Genetics (formerly Invitae), Labcorp
Classification: Likely benign. Last evaluated: 2026-01-29. Review status: criteria provided, single submitter. Criteria: Invitae Variant Classification Sherloc (09022015). Collection method: clinical testing. Allele origin: germline.

GeneDx
Classification: Likely benign. Last evaluated: 2020-03-24. Review status: criteria provided, single submitter. Criteria: GeneDx Variant Classification Process June 2021. Collection method: clinical testing. Allele origin: germline. Affected: yes.
Comment: See Variant Classification Assertion Criteria.

NM_001197104.2(KMT2A):c.10443C>T (p.Pro3481=)

Gene: KMT2A (lysine methyltransferase 2A; plus strand). Cytogenetic location: 11q23.3.
Variant type: single nucleotide variant.
Coding change: c.10443C>T on transcript NM_001197104.2 (MANE Select); coding-DNA position 10443, C replaced by T.
Protein change: p.Pro3481=; no amino-acid change (proline 3481 retained).
Molecular consequence: synonymous variant.
Genome position (GRCh38, 1-based): chr11:118,506,335, C>T. VCF-style: chr11-118506335-C-T. GRCh37 (hg19) VCF-style: chr11-118377050-C-T.
Other names: c.10434C>T, p.Pro3478= (NM_005933.4); c.10443C>T (NM_001197104.1).
Identifiers: ClinVar variation 1607120 (VCV001607120.9), dbSNP rs782731658, ClinGen allele CA6304749.